The following is an entry in ClinVar:

NM_000053.4(ATP7B):c.3139G>A (p.Asp1047Asn)

Gene: ATP7B (ATPase copper transporting beta; minus strand). Cytogenetic location: 13q14.3.
Variant type: single nucleotide variant.
Coding change: c.3139G>A on transcript NM_000053.4 (MANE Select); coding-DNA position 3139, G replaced by A.
Protein change: p.Asp1047Asn; replaces aspartic acid 1047 with asparagine.
Molecular consequence: missense variant. On other transcripts: intron variant (1).
Genome position (GRCh38, 1-based): chr13:51,944,213, C>T on the plus strand (G>A on the coding strand, the complement: ATP7B is on the minus strand). VCF-style: chr13-51944213-C-T. GRCh37 (hg19) VCF-style: chr13-52518349-C-T.
Other names: c.2800G>A, p.Asp934Asn (NM_001406537.1); c.2905G>A, p.Asp969Asn (NM_001406538.1, NM_001330578.2, NM_001406527.1 and 1 more transcripts); c.2710G>A, p.Asp904Asn (NM_001406539.1); c.2692G>A, p.Asp898Asn (NM_001406540.1); c.2653G>A, p.Asp885Asn (NM_001406541.1, NM_001406542.1); c.2791G>A, p.Asp931Asn (NM_001406543.1); c.2557G>A, p.Asp853Asn (NM_001406544.1); c.2491G>A, p.Asp831Asn (NM_001406545.1); and 19 more; short protein forms D1002N, D1015N, D1029N, D1036N, D1045N, D1047N, D617N, D766N.
Identifiers: ClinVar variation 4758110 (VCV004758110.1).

ClinVar aggregate classification (germline): Uncertain significance (1 of 4 stars; one submission).

Conditions:
Wilson disease (WND). Also called: Wilson's disease. Identifiers: Orphanet 905, MedGen C0019202, MONDO:0010200, OMIM 277900. Disease mechanism: loss of function.

gnomAD v4.1: 1 of 1,614,050 alleles (0.000062%); highest among the groups gnomAD compares: African/African-American, 0.0013%; no homozygotes.

Submission:

Color Diagnostics, LLC DBA Color Health
Classification: Uncertain significance for Wilson disease. Last evaluated: 2025-10-02. Review status: criteria provided, single submitter. Criteria: ACMG Guidelines, 2015. Collection method: clinical testing. Allele origin: germline.
Comment: This missense variant replaces aspartic acid with asparagine at codon 1047 of the ATP7B protein. Computational prediction suggests that this variant may not impact protein structure and function. To our knowledge, functional studies have not been reported for this variant. This variant has not been reported in individuals affected with ATP7B-related disorders in the literature. This variant has been identified in 1/152198 chromosomes in the general population by the Genome Aggregation Database (gnomAD). A different variant occurring at the same codon, p.Asp1047Val, is a well documented pathogenic mutation (ClinVar Variation ID: 1075644), indicating that aspartic acid at this position is important for ATP7B protein function. The available evidence is insufficient to determine the role of this variant in disease conclusively. Therefore, this variant is classified as a Variant of Uncertain Significance.